The following is an entry in ClinVar:

NM_004484.4(GPC3):c.1263T>G (p.Leu421=)

Gene: GPC3 (glypican 3; minus strand). Cytogenetic location: Xq26.2.
Variant type: single nucleotide variant.
Coding change: c.1263T>G on transcript NM_004484.4 (MANE Select); coding-DNA position 1263, T replaced by G.
Protein change: p.Leu421=; no amino-acid change (leucine 421 retained).
Molecular consequence: synonymous variant.
Genome position (GRCh38, 1-based): chrX:133,692,398, A>C on the plus strand (T>G on the coding strand, the complement: GPC3 is on the minus strand). VCF-style: chrX-133692398-A-C. GRCh37 (hg19) VCF-style: chrX-132826426-A-C.
Other names: c.1332T>G, p.Leu444= (NM_001164617.2); c.1215T>G, p.Leu405= (NM_001164618.2); c.1101T>G, p.Leu367= (NM_001164619.2).
Identifiers: ClinVar variation 509846 (VCV000509846.36), dbSNP rs1474137107, ClinGen allele CA518638187.
Genomic context (GRCh38, chrX:133,692,398, plus strand): 5'-ATTGCTATATGTAACTTTCAAAAAAGATCACCTCTCCACGAGTTCTTGTCCATTCCAGCA[A>C]AGGGTGTCGTTTTCCGCCACAGGGCTATGGCTGCAGATGTAGCCAGGCAAAGCACTATAG-3'
Protein context (NP_004475.1, residues 411-431): SHSPVAENDT[Leu421=]CWNGQELVER

ClinVar aggregate classification (germline): Likely benign. Review status: criteria provided, multiple submitters, no conflicts (2 of 4 stars). 3 submissions from 3 submitters: Likely benign (3). Last evaluated 2024-07-22.

Conditions:
Wilms tumor 1 (WT1). Also called: Wilms tumor, somatic. Identifiers: Orphanet 654, MedGen CN033288, MONDO:0008679, OMIM 194070.

Allele frequency attached by ClinVar (database versions not stated): gnomAD exomes 0.00001; TOPMed 0.00003; gnomAD 0.00004.
gnomAD v4.1: 17 of 1,210,382 alleles (0.0014%); highest among the groups gnomAD compares: Non-Finnish European, 0.0018%; no homozygotes.

Submissions (3):

Labcorp Genetics (formerly Invitae), Labcorp
Classification: Likely benign for Wilms tumor 1. Last evaluated: 2024-07-22. Review status: criteria provided, single submitter. Criteria: Invitae Variant Classification Sherloc (09022015). Collection method: clinical testing. Allele origin: germline.

CeGaT Center for Human Genetics Tuebingen
Classification: Likely benign. Last evaluated: 2023-05-01. Review status: criteria provided, single submitter. Criteria: CeGaT Center For Human Genetics Tuebingen Variant Classification Criteria Version 2. Collection method: clinical testing. Allele origin: germline. Affected: yes. Observed: 1 variant allele.
Comment: GPC3: BP4, BP7

GeneDx
Classification: Likely benign. Last evaluated: 2017-05-31. Review status: criteria provided, single submitter. Criteria: GeneDx Variant Classification (06012015). Collection method: clinical testing. Allele origin: germline. Affected: yes.
Comment: This variant is considered likely benign or benign based on one or more of the following criteria: it is a conservative change, it occurs at a poorly conserved position in the protein, it is predicted to be benign by multiple in silico algorithms, and/or has population frequency not consistent with disease.